The following is an entry in ClinVar:

ClinVar aggregate classification (germline): Uncertain significance. Review status: criteria provided, multiple submitters, no conflicts (2 of 4 stars). 4 submissions from 4 submitters: Uncertain significance (4). Last evaluated 2025-11-10.

Conditions:
Familial cancer of breast. Also called: Hereditary breast cancer; hereditary breast carcinoma; BREAST CANCER, FAMILIAL. Identifiers: Orphanet 227535, MedGen C0346153, MONDO:0016419, OMIM 114480. Disease mechanism: loss of function.
Hereditary cancer-predisposing syndrome. Also called: Hereditary neoplastic syndrome; Neoplastic Syndromes, Hereditary; Tumor predisposition; Hereditary Cancer Syndrome. Identifiers: Orphanet 140162, MedGen C0027672, MeSH D009386, MONDO:0015356.
Fanconi anemia complementation group J. Also called: BRIP1-Related Fanconi Anemia. Identifiers: Orphanet 84, MedGen C1836860, MONDO:0012187, OMIM 609054.

Allele frequency attached by ClinVar (database versions not stated): gnomAD exomes below 0.00001; gnomAD 0.00001.
gnomAD v4.1: 4 of 1,612,990 alleles (0.00025%); highest among the groups gnomAD compares: African/African-American, 0.0013%; no homozygotes.

Submissions (4):

Ambry Genetics
Classification: Uncertain significance for Hereditary cancer-predisposing syndrome. Last evaluated: 2025-11-10. Review status: criteria provided, single submitter. Criteria: Ambry Variant Classification Scheme 2023. Collection method: clinical testing. Allele origin: germline.

Labcorp Genetics (formerly Invitae), Labcorp
Classification: Uncertain significance for Familial cancer of breast; Fanconi anemia complementation group J. Last evaluated: 2024-03-03. Review status: criteria provided, single submitter. Criteria: Invitae Variant Classification Sherloc (09022015). Collection method: clinical testing. Allele origin: germline.
Comment: This sequence change replaces tyrosine, which is neutral and polar, with cysteine, which is neutral and slightly polar, at codon 536 of the BRIP1 protein (p.Tyr536Cys). This variant is not present in population databases (gnomAD no frequency). This variant has not been reported in the literature in individuals affected with BRIP1-related conditions. ClinVar contains an entry for this variant (Variation ID: 407827). Advanced modeling of protein sequence and biophysical properties (such as structural, functional, and spatial information, amino acid conservation, physicochemical variation, residue mobility, and thermodynamic stability) performed at Invitae indicates that this missense variant is not expected to disrupt BRIP1 protein function with a negative predictive value of 80%. In summary, the available evidence is currently insufficient to determine the role of this variant in disease. Therefore, it has been classified as a Variant of Uncertain Significance.

Color Diagnostics, LLC DBA Color Health
Classification: Uncertain significance for Hereditary cancer-predisposing syndrome. Last evaluated: 2023-12-05. Review status: criteria provided, single submitter. Criteria: ACMG Guidelines, 2015. Collection method: clinical testing. Allele origin: germline.
Comment: This missense variant replaces tyrosine with cysteine at codon 536 of the BRIP1 protein. Computational prediction is inconclusive regarding the impact of this variant on protein structure and function (internally defined REVEL score threshold 0.5 < inconclusive < 0.7, PMID: 27666373). To our knowledge, functional studies have not been reported for this variant. This variant has not been reported in individuals affected with BRIP1-related disorders in the literature. This variant has not been identified in the general population by the Genome Aggregation Database (gnomAD). The available evidence is insufficient to determine the role of this variant in disease conclusively. Therefore, this variant is classified as a Variant of Uncertain Significance.

St. Jude Molecular Pathology, St. Jude Children's Research Hospital
Classification: Uncertain significance for Familial cancer of breast. Last evaluated: 2023-04-20. Review status: criteria provided, single submitter. Criteria: St. Jude Assertion Criteria 2020. Collection method: clinical testing. Allele origin: germline.
Comment: The BRIP1 c.1607A>G (p.Tyr536Cys) missense change is absent in gnomAD v2.1.1. The in silico tool REVEL predicts a deleterious effect on protein function, but to our knowledge this prediction has not been confirmed by functional studies. To our knowledge, this variant has not been reported in individuals with hereditary breast and ovarian cancer syndrome or Fanconi anemia. In summary, the evidence currently available is insufficient to determine the clinical significance of this variant. It has therefore been classified as of uncertain significance.

NM_032043.3(BRIP1):c.1607A>G (p.Tyr536Cys)

Gene: BRIP1 (BRCA1 interacting DNA helicase 1; minus strand). Cytogenetic location: 17q23.2.
Variant type: single nucleotide variant.
Coding change: c.1607A>G on transcript NM_032043.3 (MANE Select); coding-DNA position 1607, A replaced by G.
Protein change: p.Tyr536Cys; replaces tyrosine 536 with cysteine.
Molecular consequence: missense variant.
Genome position (GRCh38, 1-based): chr17:61,784,291, T>C on the plus strand (A>G on the coding strand, the complement: BRIP1 is on the minus strand). VCF-style: chr17-61784291-T-C. GRCh37 (hg19) VCF-style: chr17-59861652-T-C.
Other names: short protein forms Y536C.
Identifiers: ClinVar variation 407827 (VCV000407827.20), dbSNP rs1060501752, ClinGen allele CA16615491.